The following is an entry in ClinVar:

NM_000179.3(MSH6):c.2904C>T (p.Val968=)

Gene: MSH6 (mutS homolog 6; plus strand). Cytogenetic location: 2p16.3.
Variant type: single nucleotide variant.
Coding change: c.2904C>T on transcript NM_000179.3 (MANE Select); coding-DNA position 2904, C replaced by T.
Protein change: p.Val968=; no amino-acid change (valine 968 retained).
Molecular consequence: synonymous variant.
Genome position (GRCh38, 1-based): chr2:47,800,887, C>T. VCF-style: chr2-47800887-C-T. GRCh37 (hg19) VCF-style: chr2-48028026-C-T.
Other names: c.2904C>T (NM_000179.2); c.2514C>T, p.Val838= (NM_001281492.2); c.1998C>T, p.Val666= (NM_001281493.2, NM_001281494.2).
Identifiers: ClinVar variation 1157497 (VCV001157497.12), dbSNP rs150683226, ClinGen allele CA426122020.

ClinVar aggregate classification (germline): Conflicting classifications of pathogenicity. Review status: criteria provided, conflicting classifications (1 of 4 stars). 3 submissions from 3 submitters: Uncertain significance (1); Benign (1); Likely benign (1). Last evaluated 2026-06-16.

Conditions:
Lynch syndrome 5 (LYNCH5). Also called: Colorectal cancer, hereditary nonpolyposis, type 5; Hereditary non-polyposis colorectal cancer, type 5. Identifiers: Orphanet 144, MedGen C1833477, MONDO:0013710, OMIM 614350. Disease mechanism: loss of function.
Hereditary nonpolyposis colorectal neoplasms. Identifiers: MedGen C0009405, MeSH D003123.

gnomAD v4.1: 1 of 1,606,180 alleles (0.000062%); highest among the groups gnomAD compares: South Asian, 0.0011%; no homozygotes.

Submissions (3):

Quest Diagnostics Nichols Institute San Juan Capistrano
Classification: Uncertain significance. Last evaluated: 2026-06-16. Review status: criteria provided, single submitter. Criteria: Quest Diagnostics criteria. Collection method: clinical testing. Allele origin: unknown.
Comment: The MSH6 c.2904C>T (p.Val968=) synonymous variant has not been reported in individuals with MSH6-related conditions in the published literature. The frequency of this variant in the general population (Genome Aggregation Database), is uninformative in the assessment of its pathogenicity. Analysis of this variant using software algorithms for the prediction of the effect of nucleotide changes on splicing yielded predictions that this variant does not affect MSH6 mRNA splicing. Based on the available information, we are unable to determine the clinical significance of this variant.

Myriad Genetics, Inc.
Classification: Benign for Lynch syndrome 5. Last evaluated: 2025-01-02. Review status: criteria provided, single submitter. Criteria: Myriad Autosomal Dominant, Autosomal Recessive and X-Linked Classification Criteria (2023). Collection method: clinical testing. Allele origin: unknown.
Comment: This variant is considered benign. This variant is a silent/synonymous amino acid change and it is not expected to impact splicing.

Labcorp Genetics (formerly Invitae), Labcorp
Classification: Likely benign for Hereditary nonpolyposis colorectal neoplasms. Last evaluated: 2019-12-27. Review status: criteria provided, single submitter. Criteria: Invitae Variant Classification Sherloc (09022015). Collection method: clinical testing. Allele origin: germline.